The following is an entry in ClinVar:

NM_001379500.1(COL18A1):c.1772C>T (p.Ala591Val)

Gene: COL18A1 (collagen type XVIII alpha 1 chain; plus strand). Cytogenetic location: 21q22.3.
Variant type: single nucleotide variant.
Coding change: c.1772C>T on transcript NM_001379500.1 (MANE Select); coding-DNA position 1772, C replaced by T.
Protein change: p.Ala591Val; replaces alanine 591 with valine.
Molecular consequence: missense variant.
Genome position (GRCh38, 1-based): chr21:45,486,931, C>T. VCF-style: chr21-45486931-C-T. GRCh37 (hg19) VCF-style: chr21-46906845-C-T.
Other names: c.2312C>T, p.Ala771Val (NM_030582.4); c.3017C>T, p.Ala1006Val (NM_130444.3); short protein forms A591V, A771V, A1006V.
Identifiers: ClinVar variation 1997656 (VCV001997656.2), dbSNP rs1157073787, ClinGen allele CA410496283.

ClinVar aggregate classification (germline): Uncertain significance (1 of 4 stars; one submission).

Allele frequency attached by ClinVar (database versions not stated): gnomAD exomes below 0.00001; TOPMed 0.00002.
gnomAD v4.1: 4 of 1,505,218 alleles (0.00027%); highest among the groups gnomAD compares: Admixed American, 0.0023%; no homozygotes.

Submission:

Labcorp Genetics (formerly Invitae), Labcorp
Classification: Uncertain significance. Last evaluated: 2022-10-13. Review status: criteria provided, single submitter. Criteria: Invitae Variant Classification Sherloc (09022015). Collection method: clinical testing. Allele origin: germline.
Comment: In summary, the available evidence is currently insufficient to determine the role of this variant in disease. Therefore, it has been classified as a Variant of Uncertain Significance. Experimental studies and prediction algorithms are not available or were not evaluated, and the functional significance of this variant is currently unknown. This variant has not been reported in the literature in individuals affected with COL18A1-related conditions. The frequency data for this variant in the population databases is considered unreliable, as metrics indicate poor data quality at this position in the gnomAD database. This sequence change replaces alanine, which is neutral and non-polar, with valine, which is neutral and non-polar, at codon 591 of the COL18A1 protein (p.Ala591Val).